The following is an entry in ClinVar:

ClinVar aggregate classification (germline): Uncertain significance (1 of 4 stars; one submission).

Allele frequency attached by ClinVar (database versions not stated): gnomAD exomes below 0.00001; TOPMed below 0.00001.

Submission:

GeneDx
Classification: Uncertain significance. Last evaluated: 2024-12-05. Review status: criteria provided, single submitter. Criteria: GeneDx Variant Classification Process June 2021. Collection method: clinical testing. Allele origin: germline. Affected: yes.
Comment: Not observed at significant frequency in large population cohorts (gnomAD); In silico analysis indicates that this missense variant does not alter protein structure/function; Has not been previously published as pathogenic or benign to our knowledge

NM_018389.5(SLC35C1):c.478C>G (p.Leu160Val)

Gene: SLC35C1 (solute carrier family 35 member C1; plus strand). Cytogenetic location: 11p11.2.
Variant type: single nucleotide variant.
Coding change: c.478C>G on transcript NM_018389.5 (MANE Select); coding-DNA position 478, C replaced by G.
Protein change: p.Leu160Val; replaces leucine 160 with valine.
Molecular consequence: missense variant.
Genome position (GRCh38, 1-based): chr11:45,806,279, C>G. VCF-style: chr11-45806279-C-G. GRCh37 (hg19) VCF-style: chr11-45827830-C-G.
Other names: c.439C>G, p.Leu147Val (NM_001145265.2, NM_001145266.2); short protein forms L147V, L160V.
Identifiers: ClinVar variation 1700332 (VCV001700332.4), dbSNP rs2085875577, ClinGen allele CA380203060.